The following is an entry in ClinVar:

NM_138638.5(CFL2):c.4-446A>G

Gene: CFL2 (cofilin 2; minus strand). Cytogenetic location: 14q13.1.
Variant type: single nucleotide variant.
Coding change: c.4-446A>G on transcript NM_138638.5 (MANE Select); 446 bases into the intron before coding-DNA position 4, A replaced by G.
Molecular consequence: intron variant.
Genome position (GRCh38, 1-based): chr14:34,714,007, T>C on the plus strand (A>G on the coding strand, the complement: CFL2 is on the minus strand). VCF-style: chr14-34714007-T-C. GRCh37 (hg19) VCF-style: chr14-35183213-T-C.
Other names: c.-49+428A>G (NM_001243645.2).
Identifiers: ClinVar variation 673808 (VCV000673808.4), dbSNP rs11624278, ClinGen allele CA14053477.
Genomic context (GRCh38, chr14:34,714,007, plus strand): 5'-TTTTTTCTTTAAAGTCATCCTAGCCACTGACGTTTCCTCATAAGGAAAGAGAATCAAGTG[T>C]AAACTCCAAACCGCCCACGGCCCACACACAGCTCACATGCAGACACTCCAAAACTAACTG-3'

ClinVar aggregate classification (germline): Benign. Review status: criteria provided, multiple submitters, no conflicts (2 of 4 stars). 2 submissions from 2 submitters: Benign (2). Last evaluated 2018-06-16.

Allele frequency attached by ClinVar (database versions not stated): gnomAD 0.05884 and 0.05978; 1000 Genomes Project 30x 0.05059; 1000 Genomes Project 0.05312; TOPMed 0.05728.

Submissions (2):

GeneDx
Classification: Benign. Last evaluated: 2018-06-16. Review status: criteria provided, single submitter. Criteria: GeneDx Variant Classification (06012015). Collection method: clinical testing. Allele origin: germline. Affected: yes.
Comment: This variant is considered likely benign or benign based on one or more of the following criteria: it is a conservative change, it occurs at a poorly conserved position in the protein, it is predicted to be benign by multiple in silico algorithms, and/or has population frequency not consistent with disease.

Breakthrough Genomics
Classification: Benign. Review status: criteria provided, single submitter. Criteria: ACMG Guidelines, 2015. Collection method: not provided. Allele origin: germline. Inheritance: Autosomal recessive inheritance. Affected: yes.